The following is an entry in ClinVar:

ClinVar aggregate classification (germline): Conflicting classifications of pathogenicity. Review status: criteria provided, conflicting classifications (1 of 4 stars). 2 submissions from 2 submitters: Uncertain significance (1); Likely benign (1). Last evaluated 2023-09-21.

Conditions:
Developmental and epileptic encephalopathy 94 (DEE94). Also called: CHD2-Related Neurodevelopmental Disorders; Epileptic encephalopathy, childhood-onset. Identifiers: Orphanet 1942, Orphanet 2382, MedGen C3809278, MONDO:0014150, OMIM 615369.

Allele frequency attached by ClinVar (database versions not stated): gnomAD exomes below 0.00001; TOPMed below 0.00001.
gnomAD v4.1: 3 of 1,546,586 alleles (0.00019%); highest among the groups gnomAD compares: Non-Finnish European, 0.00026%; no homozygotes.

Submissions (2):

Labcorp Genetics (formerly Invitae), Labcorp
Classification: Likely benign for Developmental and epileptic encephalopathy 94. Last evaluated: 2023-09-21. Review status: criteria provided, single submitter. Criteria: Invitae Variant Classification Sherloc (09022015). Collection method: clinical testing. Allele origin: germline.

GeneDx
Classification: Uncertain significance. Last evaluated: 2018-03-01. Review status: criteria provided, single submitter. Criteria: GeneDx Variant Classification (06012015). Collection method: clinical testing. Allele origin: germline. Affected: yes.
Comment: The c.1199-12T>A variant has not been published as a pathogenic variant, nor has it been reported as a benign variant to our knowledge. The c.1199-12T>A variant is not observed in large population cohorts (Lek et al., 2016). Several in-silico splice prediction models predict that c.1199-12T>A may damage or destroy the natural splice acceptor site in intron 11 and lead to abnormal gene splicing. However, in the absence of RNA studies, the actual effect of this sequence change in this individual is unknown. Therefore, based on the currently available information, it is unclear whether this variant is a pathogenic variant or a rare benign variant.

NM_001271.4(CHD2):c.1199-12T>A

Gene: CHD2 (chromodomain helicase DNA binding protein 2; plus strand). Cytogenetic location: 15q26.1.
Variant type: single nucleotide variant.
Coding change: c.1199-12T>A on transcript NM_001271.4 (MANE Select); 12 bases into the intron before coding-DNA position 1199, T replaced by A.
Molecular consequence: intron variant.
Genome position (GRCh38, 1-based): chr15:92,946,026, T>A. VCF-style: chr15-92946026-T-A. GRCh37 (hg19) VCF-style: chr15-93489256-T-A.
Other names: c.1199-12T>A (NM_001042572.3).
Identifiers: ClinVar variation 504422 (VCV000504422.5), dbSNP rs1474100681, ClinGen allele CA658798446.
Genomic context (GRCh38, chr15:92,946,026, plus strand): 5'-CATAAAACAGAATGTCATTTTTCACTTTTAATTGACAGTTGCTAATCTATAAATTTTTTT[T>A]ATATGAAATAGCTCATAGTCGGAAGCCGGCACCCTCAAATGAGCCCGAATATCTATGTAA-3'